The following is an entry in ClinVar:

NM_006231.4(POLE):c.3730G>A (p.Asp1244Asn)

Gene: POLE (DNA polymerase epsilon, catalytic subunit; minus strand). Cytogenetic location: 12q24.33.
Variant type: single nucleotide variant.
Coding change: c.3730G>A on transcript NM_006231.4 (MANE Select); coding-DNA position 3730, G replaced by A.
Protein change: p.Asp1244Asn; replaces aspartic acid 1244 with asparagine.
Molecular consequence: missense variant.
Genome position (GRCh38, 1-based): chr12:132,649,742, C>T on the plus strand (G>A on the coding strand, the complement: POLE is on the minus strand). VCF-style: chr12-132649742-C-T. GRCh37 (hg19) VCF-style: chr12-133226328-C-T.
Other names: short protein forms D1244N.
Identifiers: ClinVar variation 840986 (VCV000840986.9), dbSNP rs2042378112, ClinGen allele CA387386284.
Genomic context (GRCh38, chr12:132,649,742, plus strand): 5'-TGGTTCCCAGGGCGGGAGGCTGCCCCAAGATTTCCTGCCAGGGCACAGTCGGCGTGAGGT[C>T]CTGGGACTCCTCCTGGCTCTCCCAAAGAACTCGCTTCCTCTTCACAGTGACAGGGGCTGC-3'
Protein context (NP_006222.2, residues 1234-1254): VLWESQEESQ[Asp1244Asn]LTPTVPWQEI

ClinVar aggregate classification (germline): Uncertain significance (1 of 4 stars; one submission).

Submission:

Labcorp Genetics (formerly Invitae), Labcorp
Classification: Uncertain significance. Last evaluated: 2019-04-02. Review status: criteria provided, single submitter. Criteria: Invitae Variant Classification Sherloc (09022015). Collection method: clinical testing. Allele origin: germline.
Comment: This sequence change replaces aspartic acid with asparagine at codon 1244 of the POLE protein (p.Asp1244Asn). The aspartic acid residue is weakly conserved and there is a small physicochemical difference between aspartic acid and asparagine. In summary, the available evidence is currently insufficient to determine the role of this variant in disease. Therefore, it has been classified as a Variant of Uncertain Significance. Algorithms developed to predict the effect of missense changes on protein structure and function output the following: SIFT: "Tolerated"; PolyPhen-2: "Benign"; Align-GVGD: "Class C0". The asparagine amino acid residue is found in multiple mammalian species, suggesting that this missense change does not adversely affect protein function. These predictions have not been confirmed by published functional studies and their clinical significance is uncertain. This variant has not been reported in the literature in individuals with POLE-related conditions. This variant is not present in population databases (ExAC no frequency).